The following is an entry in ClinVar:

NM_000535.7(PMS2):c.1256G>T (p.Arg419Ile)

Gene: PMS2 (PMS1 homolog 2, mismatch repair system component; minus strand). Cytogenetic location: 7p22.1.
Variant type: single nucleotide variant.
Coding change: c.1256G>T on transcript NM_000535.7 (MANE Select); coding-DNA position 1256, G replaced by T.
Protein change: p.Arg419Ile; replaces arginine 419 with isoleucine.
Molecular consequence: missense variant. On other transcripts: non-coding transcript variant (1).
Genome position (GRCh38, 1-based): chr7:5,987,509, C>A on the plus strand (G>T on the coding strand, the complement: PMS2 is on the minus strand). VCF-style: chr7-5987509-C-A. GRCh37 (hg19) VCF-style: chr7-6027140-C-A.
Other names: c.851G>T, p.Arg284Ile (NM_001018040.1, NM_001322003.2, NM_001322004.2 and 17 more transcripts); c.1100G>T, p.Arg367Ile (NM_001322006.2, NM_001406870.1); c.938G>T, p.Arg313Ile (NM_001322007.2, NM_001322008.2, NM_001406876.1 and 2 more transcripts); c.695G>T, p.Arg232Ile (NM_001322010.2, NM_001406906.1, NM_001406907.1); c.323G>T, p.Arg108Ile (NM_001322011.2, NM_001322012.2); c.683G>T, p.Arg228Ile (NM_001322013.2, NM_001406909.1); c.1256G>T, p.Arg419Ile (NM_001322014.2, NM_001406871.1, NM_001406872.1); c.947G>T, p.Arg316Ile (NM_001322015.2, NM_001406875.1, NM_001406877.1 and 5 more transcripts); and 12 more; short protein forms R108I, R248I, R481I, R162I, R228I, R353I, R363I, R383I.
Identifiers: ClinVar variation 1925117 (VCV001925117.2), dbSNP rs1783156550, ClinGen allele CA366742467.
Genomic context (GRCh38, chr7:5,987,509, plus strand): 5'-GTCTTTGGGCTGTGAGGCTTGTTCTCTGTTGTGTGACGAAGAGAAAAGGCCTCTCGCAGT[C>A]TGGAAATGGACACGTCTTTTTTTTCTTCTCCAGTCCTTAATGAAGGGGATTGATCCTGCT-3'
Protein context (NP_000526.2, residues 409-429): GEEKKDVSIS[Arg419Ile]LREAFSLRHT

ClinVar aggregate classification (germline): Uncertain significance (1 of 4 stars; one submission).

Conditions:
Hereditary nonpolyposis colorectal neoplasms. Identifiers: MedGen C0009405, MeSH D003123.

Submission:

Labcorp Genetics (formerly Invitae), Labcorp
Classification: Uncertain significance for Hereditary nonpolyposis colorectal neoplasms. Last evaluated: 2022-01-12. Review status: criteria provided, single submitter. Criteria: Invitae Variant Classification Sherloc (09022015). Collection method: clinical testing. Allele origin: germline.
Comment: This sequence change replaces arginine, which is basic and polar, with isoleucine, which is neutral and non-polar, at codon 419 of the PMS2 protein (p.Arg419Ile). This variant is not present in population databases (gnomAD no frequency). This variant has not been reported in the literature in individuals affected with PMS2-related conditions. Advanced modeling of protein sequence and biophysical properties (such as structural, functional, and spatial information, amino acid conservation, physicochemical variation, residue mobility, and thermodynamic stability) performed at Invitae indicates that this missense variant is not expected to disrupt PMS2 protein function. In summary, the available evidence is currently insufficient to determine the role of this variant in disease. Therefore, it has been classified as a Variant of Uncertain Significance.